The following is an entry in ClinVar:

NM_001267550.2(TTN):c.100226G>A (p.Cys33409Tyr)

Genes: TTN (titin; minus strand), TTN-AS1 (TTN antisense RNA 1; plus strand), LOC126806420 (BRD4-independent group 4 enhancer GRCh37_chr2:179401104-179402303; plus strand). Cytogenetic location: 2q31.2.
Variant type: single nucleotide variant.
Coding change: c.100226G>A on transcript NM_001267550.2 (MANE Select); coding-DNA position 100226, G replaced by A.
Protein change: p.Cys33409Tyr; replaces cysteine 33409 with tyrosine.
Molecular consequence: missense variant.
Genome position (GRCh38, 1-based): chr2:178,536,521, C>T on the plus strand (G>A on the coding strand, the complement: TTN is on the minus strand). VCF-style: chr2-178536521-C-T. GRCh37 (hg19) VCF-style: chr2-179401248-C-T.
Other names: p.C31768Y:TGT>TAT; c.100226G>A (LRG_391t1); c.95303G>A, p.Cys31768Tyr (NM_001256850.1); c.73031G>A, p.Cys24344Tyr (NM_003319.4); c.92522G>A, p.Cys30841Tyr (NM_133378.4); c.73406G>A, p.Cys24469Tyr (NM_133432.3); c.73607G>A, p.Cys24536Tyr (NM_133437.4); short protein forms C30841Y, C33409Y, C31768Y, C24536Y, C24344Y, C24469Y.
Identifiers: ClinVar variation 191829 (VCV000191829.50), dbSNP rs201112096, ClinGen allele CA302391.

ClinVar aggregate classification (germline): Conflicting classifications of pathogenicity. Review status: criteria provided, conflicting classifications (1 of 4 stars). 16 submissions from 12 submitters: Uncertain significance (9); Benign (1); Likely benign (6). Last evaluated 2026-06-14.

Conditions:
Cardiovascular phenotype. Identifiers: MedGen CN230736.
TTN-related disorder. Also called: TTN-related condition; TTN-related disease; TTN-related disorders.
Dilated cardiomyopathy 1G (CMD1G). Identifiers: Orphanet 154, MedGen C1858763, MONDO:0011400, OMIM 604145.
Autosomal recessive limb-girdle muscular dystrophy type 2J (LGMDR10). Also called: Limb-girdle muscular dystrophy, type 2J; MUSCULAR DYSTROPHY, LIMB-GIRDLE, AUTOSOMAL RECESSIVE 10. Identifiers: Orphanet 140922, MedGen C1837342, MONDO:0012127, OMIM 608807.
Tibial muscular dystrophy (TMD). Also called: Udd Distal Myopathy – Tibial Muscular Dystrophy; Tibial muscular dystrophy, tardive; UDD MYOPATHY. Identifiers: Orphanet 609, MedGen C1838244, MONDO:0010870, OMIM 600334.
Myopathy, myofibrillar, 9, with early respiratory failure (MFM9). Also called: EDSTROM MYOPATHY; MYOPATHY, PROXIMAL, WITH EARLY RESPIRATORY MUSCLE INVOLVEMENT; Hereditary myopathy with early respiratory failure; Myopathy, distal, with early respiratory failure, autosomal dominant. Identifiers: Orphanet 178464, Orphanet 34521, MedGen C1863599, MONDO:0011362, OMIM 603689.
Early-onset myopathy with fatal cardiomyopathy (CMYO5). Also called: CONGENITAL MYOPATHY 5 WITH CARDIOMYOPATHY; Salih Myopathy. Identifiers: Orphanet 289377, MedGen C2673677, MONDO:0012714, OMIM 611705. Disease mechanism: loss of function.

Allele frequency attached by ClinVar (database versions not stated): gnomAD exomes 0.00007 and 0.00009; TOPMed 0.00009; ExAC 0.00011; gnomAD 0.00011; 1000 Genomes Project 30x 0.00016; ESP Exome Variant Server 0.00017; 1000 Genomes Project 0.00020.
gnomAD v4.1: 121 of 1,533,970 alleles (0.0079%); highest among the groups gnomAD compares: Middle Eastern, 0.11%; 1 homozygote.

Submissions (16):

PreventionGenetics, part of Exact Sciences
Classification: Likely benign for TTN-related condition. Last evaluated: 2026-06-14. Review status: criteria provided, single submitter. Criteria: ACMG Guidelines, 2015. Collection method: clinical testing. Allele origin: germline.
Comment: This variant is classified as likely benign based on ACMG/AMP sequence variant interpretation guidelines (Richards et al. 2015 PMID: 25741868, with internal and published modifications).

Labcorp Genetics (formerly Invitae), Labcorp
Classification: Likely benign for Dilated cardiomyopathy 1G; Autosomal recessive limb-girdle muscular dystrophy type 2J. Last evaluated: 2026-01-27. Review status: criteria provided, single submitter. Criteria: Invitae Variant Classification Sherloc (09022015). Collection method: clinical testing. Allele origin: germline.

Molecular Diagnostic Laboratory for Inherited Cardiovascular Disease, Montreal Heart Institute
Classification: Likely benign. Last evaluated: 2025-04-09. Review status: criteria provided, single submitter. Criteria: ACMG Guidelines, 2015. Collection method: clinical testing. Allele origin: germline. Affected: no.

Blueprint Genetics
Classification: Likely benign. Last evaluated: 2024-07-03. Review status: criteria provided, single submitter. Criteria: ACMG Guidelines, 2015. Collection method: clinical testing. Allele origin: germline.

Women's Health and Genetics/Laboratory Corporation of America, LabCorp
Classification: Uncertain significance. Last evaluated: 2023-10-31. Review status: criteria provided, single submitter. Criteria: LabCorp Variant Classification Summary - May 2015. Collection method: clinical testing. Allele origin: germline.
Comment: Variant summary: TTN c.92522G>A (p.Cys30841Tyr) results in a non-conservative amino acid change located in the A-band region of the encoded protein sequence. Four of five in-silico tools predict a damaging effect of the variant on protein function. The variant allele was found at a frequency of 8.7e-05 in 183418 control chromosomes. This frequency is not significantly higher than estimated for a pathogenic variant in TTN causing Cardiomyopathy (8.7e-05 vs 0.00063), allowing no conclusion about variant significance. c.92522G>A has been reported in the literature in individuals affected with Cardiomyopathy, without strong evidence for causality (Verdonschot_2020). This report does not provide unequivocal conclusions about association of the variant with Cardiomyopathy. To our knowledge, no experimental evidence demonstrating an impact on protein function has been reported. The following publication have been ascertained in the context of this evaluation (PMID: 32880476). Eight submitters have cited clinical-significance assessments for this variant to ClinVar after 2014. Multiple submitters reported the variant with conflicting assessments: four submitters classified the variant as VUS while four classified the variant as likely benign/benign. Based on the evidence outlined above, the variant was classified as uncertain significance.

CeGaT Center for Human Genetics Tuebingen
Classification: Uncertain significance. Last evaluated: 2023-08-01. Review status: criteria provided, single submitter. Criteria: CeGaT Center For Human Genetics Tuebingen Variant Classification Criteria Version 2. Collection method: clinical testing. Allele origin: germline. Affected: yes. Observed: 1 variant allele.
Comment: TTN: PM2

Revvity Omics, Revvity
Classification: Uncertain significance. Last evaluated: 2023-02-17. Review status: criteria provided, single submitter. Criteria: ACMG Guidelines, 2015. Collection method: clinical testing. Allele origin: germline.

GeneDx
Classification: Likely benign. Last evaluated: 2021-05-06. Review status: criteria provided, single submitter. Criteria: GeneDx Variant Classification Process June 2021. Collection method: clinical testing. Allele origin: germline. Affected: yes.
Comment: This variant is associated with the following publications: (PMID: 23861362, 32880476)

Ambry Genetics
Classification: Uncertain significance for Cardiovascular phenotype. Last evaluated: 2020-03-18. Review status: criteria provided, single submitter. Criteria: Ambry Variant Classification Scheme 2023. Collection method: clinical testing. Allele origin: germline.
Comment: The p.C24344Y variant (also known as c.73031G>A), located in coding exon 184 of the TTN gene, results from a G to A substitution at nucleotide position 73031. The cysteine at codon 24344 is replaced by tyrosine, an amino acid with highly dissimilar properties. This amino acid position is well conserved in available vertebrate species. In addition, the in silico prediction for this alteration is inconclusive. Since supporting evidence is limited at this time, the clinical significance of this alteration remains unclear.

Illumina Laboratory Services, Illumina
Classification: Uncertain significance for Dilated cardiomyopathy 1G. Last evaluated: 2018-01-12. Review status: criteria provided, single submitter. Criteria: ICSL Variant Classification Criteria 13 December 2019. Collection method: clinical testing. Allele origin: germline.

Illumina Laboratory Services, Illumina
Classification: Uncertain significance for Autosomal recessive limb-girdle muscular dystrophy type 2J. Last evaluated: 2018-01-12. Review status: criteria provided, single submitter. Criteria: ICSL Variant Classification Criteria 13 December 2019. Collection method: clinical testing. Allele origin: germline.

Illumina Laboratory Services, Illumina
Classification: Benign for Tibial muscular dystrophy. Last evaluated: 2018-01-12. Review status: criteria provided, single submitter. Criteria: ICSL Variant Classification Criteria 13 December 2019. Collection method: clinical testing. Allele origin: germline.
Comment: This variant was observed in the ICSL laboratory as part of a predisposition screen in an ostensibly healthy population. It had not been previously curated by ICSL or reported in the Human Gene Mutation Database (HGMD: prior to June 1st, 2018), and was therefore a candidate for classification through an automated scoring system. Utilizing variant allele frequency, disease prevalence and penetrance estimates, and inheritance mode, an automated score was calculated to assess if this variant is too frequent to cause the disease. Based on the score and internal cut-off values, a variant classified as benign is not then subjected to further curation. The score for this variant resulted in a classification of benign for this disease.

Illumina Laboratory Services, Illumina
Classification: Uncertain significance for Early-onset myopathy with fatal cardiomyopathy. Last evaluated: 2018-01-12. Review status: criteria provided, single submitter. Criteria: ICSL Variant Classification Criteria 13 December 2019. Collection method: clinical testing. Allele origin: germline.

Illumina Laboratory Services, Illumina
Classification: Likely benign for Myopathy, myofibrillar, 9, with early respiratory failure. Last evaluated: 2018-01-12. Review status: criteria provided, single submitter. Criteria: ICSL Variant Classification Criteria 13 December 2019. Collection method: clinical testing. Allele origin: germline.
Comment: This variant was observed in the ICSL laboratory as part of a predisposition screen in an ostensibly healthy population. It had not been previously curated by ICSL or reported in the Human Gene Mutation Database (HGMD: prior to June 1st, 2018), and was therefore a candidate for classification through an automated scoring system. Utilizing variant allele frequency, disease prevalence and penetrance estimates, and inheritance mode, an automated score was calculated to assess if this variant is too frequent to cause the disease. Based on the score and internal cut-off values, a variant classified as likely benign is not then subjected to further curation. The score for this variant resulted in a classification of likely benign for this disease.

Athena Diagnostics
Classification: Uncertain significance. Last evaluated: 2017-04-12. Review status: criteria provided, single submitter. Criteria: Athena Diagnostics Criteria. Collection method: clinical testing. Allele origin: germline.

Biesecker Lab/Clinical Genomics Section, National Institutes of Health
Classification: Uncertain significance. Last evaluated: 2013-06-24. Review status: criteria provided, single submitter. Criteria: Ng et al. (Circ Cardiovasc Genet. 2013). Collection method: research. Allele origin: unknown. Observed: 1 variant allele. Study: ClinSeq.
Comment: The study set was not selected for affection status in relation to any cancer. Pathogenicity categories were based on literature curation. See Pubmed ID:23861362 for details.

Medical sequencing

Literature cited by the submitters: PubMed 32880476 (cited by Women's Health and Genetics/Laboratory Corporation of America, LabCorp).